The following is an entry in ClinVar:

ClinVar aggregate classification (germline): Uncertain significance (1 of 4 stars; one submission).

Allele frequency attached by ClinVar (database versions not stated): TOPMed below 0.00001.

Submission:

Labcorp Genetics (formerly Invitae), Labcorp
Classification: Uncertain significance. Last evaluated: 2024-12-02. Review status: criteria provided, single submitter. Criteria: Invitae Variant Classification Sherloc (09022015). Collection method: clinical testing. Allele origin: germline.
Comment: This sequence change replaces threonine, which is neutral and polar, with alanine, which is neutral and non-polar, at codon 996 of the MTOR protein (p.Thr996Ala). This variant is not present in population databases (gnomAD no frequency). This variant has not been reported in the literature in individuals affected with MTOR-related conditions. ClinVar contains an entry for this variant (Variation ID: 2005095). Invitae Evidence Modeling of protein sequence and biophysical properties (such as structural, functional, and spatial information, amino acid conservation, physicochemical variation, residue mobility, and thermodynamic stability) indicates that this missense variant is not expected to disrupt MTOR protein function with a negative predictive value of 95%. In summary, the available evidence is currently insufficient to determine the role of this variant in disease. Therefore, it has been classified as a Variant of Uncertain Significance.

NM_004958.4(MTOR):c.2986A>G (p.Thr996Ala)

Gene: MTOR (mechanistic target of rapamycin kinase; minus strand). Cytogenetic location: 1p36.22.
Variant type: single nucleotide variant.
Coding change: c.2986A>G on transcript NM_004958.4 (MANE Select); coding-DNA position 2986, A replaced by G.
Protein change: p.Thr996Ala; replaces threonine 996 with alanine.
Molecular consequence: missense variant.
Genome position (GRCh38, 1-based): chr1:11,228,712, T>C on the plus strand (A>G on the coding strand, the complement: MTOR is on the minus strand). VCF-style: chr1-11228712-T-C. GRCh37 (hg19) VCF-style: chr1-11288769-T-C.
Other names: c.2986A>G, p.Thr996Ala (NM_001386500.1); c.1738A>G, p.Thr580Ala (NM_001386501.1); short protein forms T996A, T580A.
Identifiers: ClinVar variation 2005095 (VCV002005095.4), dbSNP rs1219727234, ClinGen allele CA338378780.
Genomic context (GRCh38, chr1:11,228,712, plus strand): 5'-GGTTTGAGGTACTTACTTCCCGGATGGCCCCATCACAGACTCGAATGACGTTAAGGAACG[T>C]GGGCATGACCTGGGGCAGGAACTGCACACATTTGAGTCCCAGGGACTTGAAGATGAAGGT-3'
Protein context (NP_004949.1, residues 986-1006): CVQFLPQVMP[Thr996Ala]FLNVIRVCDG